The following is an entry in ClinVar:

ClinVar aggregate classification (germline): Pathogenic (1 of 4 stars; one submission).

Conditions:
Neurofibromatosis, type 1 (NF1). Also called: VON RECKLINGHAUSEN DISEASE; Neurofibromatosis, type I; Peripheral type neurofibromatosis; NEUROFIBROMATOSIS, TYPE I, SOMATIC. Identifiers: Orphanet 636, MedGen C0027831, MONDO:0018975, OMIM 162200. Disease mechanism: loss of function.

Submission:

Labcorp Genetics (formerly Invitae), Labcorp
Classification: Pathogenic for Neurofibromatosis, type 1. Last evaluated: 2023-04-22. Review status: criteria provided, single submitter. Criteria: Invitae Variant Classification Sherloc (09022015). Collection method: clinical testing. Allele origin: germline.
Comment: This sequence change creates a premature translational stop signal (p.Tyr1671Leufs*3) in the NF1 gene. It is expected to result in an absent or disrupted protein product. Loss-of-function variants in NF1 are known to be pathogenic (PMID: 10712197, 23913538). For these reasons, this variant has been classified as Pathogenic. This variant has not been reported in the literature in individuals affected with NF1-related conditions. This variant is not present in population databases (gnomAD no frequency).

Literature cited by the submitters: PubMed 10712197; PubMed 23913538.

NM_001042492.3(NF1):c.5074dup (p.Tyr1692fs)

Gene: NF1 (neurofibromin 1; plus strand). Cytogenetic location: 17q11.2.
Variant type: Duplication.
Coding change: c.5074dup on transcript NM_001042492.3 (MANE Select); coding-DNA position 5074, one base duplicated (T; older notation c.5074dupT).
Protein change: p.Tyr1692fs; shifts the reading frame from tyrosine 1692.
Molecular consequence: frameshift variant.
Genome position (GRCh38, 1-based): chr17:31,326,058, T duplicated. VCF-style (leftmost placement, unchanged base first): chr17-31326057-G-GT. GRCh37 (hg19) VCF-style: chr17-29653075-G-GT.
Other names: c.5011dup, p.Tyr1671Leufs (NM_000267.4); short protein forms Y1692fs, Y1671fs.
Identifiers: ClinVar variation 2858160 (VCV002858160.3), dbSNP rs2508696779, ClinGen allele CA2739267458.